The following is an entry in ClinVar:

NM_004104.5(FASN):c.2693C>G (p.Thr898Arg)

Gene: FASN (fatty acid synthase; minus strand). Cytogenetic location: 17q25.3.
Variant type: single nucleotide variant.
Coding change: c.2693C>G on transcript NM_004104.5 (MANE Select); coding-DNA position 2693, C replaced by G.
Protein change: p.Thr898Arg; replaces threonine 898 with arginine.
Molecular consequence: missense variant.
Genome position (GRCh38, 1-based): chr17:82,088,208, G>C on the plus strand (C>G on the coding strand, the complement: FASN is on the minus strand). VCF-style: chr17-82088208-G-C. GRCh37 (hg19) VCF-style: chr17-80046084-G-C.
Other names: short protein forms T898R.
Identifiers: ClinVar variation 1414464 (VCV001414464.7), dbSNP rs201967800, ClinGen allele CA8852683.

ClinVar aggregate classification (germline): Uncertain significance. Review status: criteria provided, multiple submitters, no conflicts (2 of 4 stars). 2 submissions from 2 submitters: Uncertain significance (2). Last evaluated 2024-10-21.

Conditions:
Epileptic encephalopathy. Identifiers: MedGen C0543888, HP:0200134.

Allele frequency attached by ClinVar (database versions not stated): 1000 Genomes Project 30x 0.00016; 1000 Genomes Project 0.00020.
gnomAD v4.1: 143 of 1,611,880 alleles (0.0089%); highest among the groups gnomAD compares: South Asian, 0.15%; no homozygotes.

Submissions (2):

Blueprint Genetics
Classification: Uncertain significance. Last evaluated: 2024-10-21. Review status: criteria provided, single submitter. Criteria: ACMG Guidelines, 2015. Collection method: clinical testing. Allele origin: germline.

Labcorp Genetics (formerly Invitae), Labcorp
Classification: Uncertain significance for Epileptic encephalopathy. Last evaluated: 2024-01-19. Review status: criteria provided, single submitter. Criteria: Invitae Variant Classification Sherloc (09022015). Collection method: clinical testing. Allele origin: germline.
Comment: This sequence change replaces threonine, which is neutral and polar, with arginine, which is basic and polar, at codon 898 of the FASN protein (p.Thr898Arg). This variant is present in population databases (rs201967800, gnomAD 0.2%), and has an allele count higher than expected for a pathogenic variant. This variant has not been reported in the literature in individuals affected with FASN-related conditions. ClinVar contains an entry for this variant (Variation ID: 1414464). An algorithm developed to predict the effect of missense changes on protein structure and function (PolyPhen-2) suggests that this variant is likely to be disruptive. In summary, the available evidence is currently insufficient to determine the role of this variant in disease. Therefore, it has been classified as a Variant of Uncertain Significance.